The following is an entry in ClinVar:

ClinVar aggregate classification (germline): Pathogenic (1 of 4 stars; one submission).

Conditions:
Familial thoracic aortic aneurysm and aortic dissection (TAAD). Also called: Thoracic aortic aneurysms and dissections. Identifiers: Orphanet 91387, MedGen C4707243, MONDO:0019625.
Hereditary cancer-predisposing syndrome. Also called: Hereditary Cancer Syndrome; Hereditary neoplastic syndrome; Neoplastic Syndromes, Hereditary; Tumor predisposition. Identifiers: Orphanet 140162, MedGen C0027672, MeSH D009386, MONDO:0015356.

Submission:

Ambry Genetics
Classification: Pathogenic for Hereditary cancer-predisposing syndrome; Familial thoracic aortic aneurysm and aortic dissection. Last evaluated: 2022-10-21. Review status: criteria provided, single submitter. Criteria: Ambry Variant Classification Scheme 2023. Collection method: clinical testing. Allele origin: germline.
Comment: The p.W323* pathogenic mutation (also known as c.969G>A), located in coding exon 8 of the SMAD4 gene, results from a G to A substitution at nucleotide position 969. This changes the amino acid from a tryptophan to a stop codon within coding exon 8. This variant is considered to be rare based on population cohorts in the Genome Aggregation Database (gnomAD). This alteration is expected to result in loss of function by premature protein truncation or nonsense-mediated mRNA decay. As such, this alteration is interpreted as a disease-causing mutation.

NM_005359.6(SMAD4):c.969G>A (p.Trp323Ter)

Gene: SMAD4 (SMAD family member 4; plus strand). Cytogenetic location: 18q21.2.
Variant type: single nucleotide variant.
Coding change: c.969G>A on transcript NM_005359.6 (MANE Select); coding-DNA position 969, G replaced by A.
Protein change: p.Trp323Ter; replaces tryptophan 323 with a stop codon.
Molecular consequence: nonsense.
Genome position (GRCh38, 1-based): chr18:51,065,436, G>A. VCF-style: chr18-51065436-G-A. GRCh37 (hg19) VCF-style: chr18-48591806-G-A.
Other names: c.969G>A, p.Trp323Ter (NM_001407041.1, NM_001407042.1, NM_001407043.1); short protein forms W323*.
Identifiers: ClinVar variation 1767849 (VCV001767849.2), dbSNP rs772575670, ClinGen allele CA402464106.